The following is an entry in ClinVar:

NM_018406.7(MUC4):c.12366C>T (p.Ser4122=)

Genes: MUC4 (mucin 4, cell surface associated), LOC126806930 (BRD4-independent group 4 enhancer GRCh37_chr3:195505212-195506411). Cytogenetic location: 3q29.
Variant type: single nucleotide variant.
Coding change: c.12366C>T on transcript NM_018406.7 (MANE Select); coding-DNA position 12366, C replaced by T.
Protein change: p.Ser4122=; no amino-acid change (serine 4122 retained).
Molecular consequence: synonymous variant. On other transcripts: genic upstream transcript variant (2).
Genome position (GRCh38, 1-based): chr3:195,779,214, G>A on the plus strand (C>T on the coding strand, the complement: MUC4 is on the minus strand). VCF-style: chr3-195779214-G-A. GRCh37 (hg19) VCF-style: chr3-195506085-G-A.
Other names: c.83-4909C>T (NM_138297.5); c.83-759C>T (NM_004532.6); c.17712C>T, p.Ser5904= (NM_001322468.1).
Identifiers: ClinVar variation 2654384 (VCV002654384.24), dbSNP rs1725962897, ClinGen allele CA438034615.

ClinVar aggregate classification (germline): Likely benign (1 of 4 stars; one submission).

Allele frequency attached by ClinVar (database versions not stated): gnomAD exomes below 0.00001.

Submission:

CeGaT Center for Human Genetics Tuebingen
Classification: Likely benign. Last evaluated: 2022-05-01. Review status: criteria provided, single submitter. Criteria: CeGaT Center For Human Genetics Tuebingen Variant Classification Criteria Version 2. Collection method: clinical testing. Allele origin: germline. Affected: yes. Observed: 1 variant allele.
Comment: MUC4: BP4, BP7